The following is an entry in ClinVar:

ClinVar aggregate classification (germline): Uncertain significance (1 of 4 stars; one submission).

gnomAD v4.1: 16 of 1,614,060 alleles (0.00099%); highest among the groups gnomAD compares: African/African-American, 0.0027%; no homozygotes.

Submission:

Women's Health and Genetics/Laboratory Corporation of America, LabCorp
Classification: Uncertain significance. Last evaluated: 2024-12-10. Review status: criteria provided, single submitter. Criteria: LabCorp Variant Classification Summary - May 2015. Collection method: clinical testing. Allele origin: germline.
Comment: Variant summary: TNC c.3692A>G (p.Tyr1231Cys) results in a non-conservative amino acid change located in the Fibronectin type-III domain profile (IPR003961) of the encoded protein sequence. Five of five in-silico tools predict a damaging effect of the variant on protein function. The variant allele was found at a frequency of 8e-06 in 251370 control chromosomes. The available data on variant occurrences in the general population are insufficient to allow any conclusion about variant significance. To our knowledge, no occurrence of c.3692A>G in individuals affected with Deafness, Autosomal Dominant 56 and no experimental evidence demonstrating its impact on protein function have been reported. No submitters have cited clinical-significance assessments for this variant to ClinVar. Based on the evidence outlined above, the variant was classified as uncertain significance.

NM_002160.4(TNC):c.3692A>G (p.Tyr1231Cys)

Genes: TNC (tenascin C; minus strand), LOC126860741 (P300/CBP strongly-dependent group 1 enhancer GRCh37_chr9:117825442-117826641; plus strand). Cytogenetic location: 9q33.1.
Variant type: single nucleotide variant.
Coding change: c.3692A>G on transcript NM_002160.4 (MANE Select); coding-DNA position 3692, A replaced by G.
Protein change: p.Tyr1231Cys; replaces tyrosine 1231 with cysteine.
Molecular consequence: missense variant.
Genome position (GRCh38, 1-based): chr9:115,063,864, T>C on the plus strand (A>G on the coding strand, the complement: TNC is on the minus strand). VCF-style: chr9-115063864-T-C. GRCh37 (hg19) VCF-style: chr9-117826143-T-C.
Other names: c.3692A>G, p.Tyr1231Cys (NM_001410991.1); short protein forms Y1231C.
Identifiers: ClinVar variation 3768138 (VCV003768138.1).